The following is an entry in ClinVar:

ClinVar aggregate classification (germline): Pathogenic (1 of 4 stars; one submission).

Conditions:
Hyperkalemic periodic paralysis. Also called: Familial hyperkalemic periodic paralysis; Gamstorp disease. Identifiers: Orphanet 682, MedGen C0238357, MONDO:0008224, OMIM 170500, HP:0007215.

Submission:

Labcorp Genetics (formerly Invitae), Labcorp
Classification: Pathogenic for Hyperkalemic periodic paralysis. Last evaluated: 2021-09-08. Review status: criteria provided, single submitter. Criteria: Invitae Variant Classification Sherloc (09022015). Collection method: clinical testing. Allele origin: germline.
Comment: For these reasons, this variant has been classified as Pathogenic. This variant disrupts a region of the SCN4A protein in which other variant(s) (p.Arg1142Gln) have been determined to be pathogenic (PMID: 28262468, 30283817). This suggests that this is a clinically significant region of the protein, and that variants that disrupt it are likely to be disease-causing. This variant has not been reported in the literature in individuals affected with SCN4A-related conditions. This variant is a gross deletion of the genomic region encompassing exon(s) 13-18 of the SCN4A gene. This variant would be expected to be in-frame, preserving the integrity of the reading frame.

Literature cited by the submitters: PubMed 28262468; PubMed 30283817.

NC_000017.10:g.(?_62024385)_(62034898_?)del

Gene: SCN4A (sodium voltage-gated channel alpha subunit 4; minus strand). Cytogenetic location: 17q23.3.
Variant type: Deletion.
Identifiers: ClinVar variation 1457445 (VCV001457445.11).